The following is an entry in ClinVar:

NM_021620.4(PRDM13):c.568C>G (p.Leu190Val)

Gene: PRDM13 (PR/SET domain 13; plus strand). Cytogenetic location: 6q16.2.
Variant type: single nucleotide variant.
Coding change: c.568C>G on transcript NM_021620.4 (MANE Select); coding-DNA position 568, C replaced by G.
Protein change: p.Leu190Val; replaces leucine 190 with valine.
Molecular consequence: missense variant.
Genome position (GRCh38, 1-based): chr6:99,613,203, C>G. VCF-style: chr6-99613203-C-G. GRCh37 (hg19) VCF-style: chr6-100061079-C-G.
Other names: short protein forms L190V.
Identifiers: ClinVar variation 1507792 (VCV001507792.8), dbSNP rs1490807276, ClinGen allele CA365115666.

ClinVar aggregate classification (germline): Uncertain significance (1 of 4 stars; one submission).

Allele frequency attached by ClinVar (database versions not stated): TOPMed 0.00001.

Submission:

Labcorp Genetics (formerly Invitae), Labcorp
Classification: Uncertain significance. Last evaluated: 2024-10-28. Review status: criteria provided, single submitter. Criteria: Invitae Variant Classification Sherloc (09022015). Collection method: clinical testing. Allele origin: germline.
Comment: This sequence change replaces leucine, which is neutral and non-polar, with valine, which is neutral and non-polar, at codon 190 of the PRDM13 protein (p.Leu190Val). This variant is not present in population databases (gnomAD no frequency). This variant has not been reported in the literature in individuals affected with PRDM13-related conditions. ClinVar contains an entry for this variant (Variation ID: 1507792). An algorithm developed to predict the effect of missense changes on protein structure and function outputs the following: PolyPhen-2: "Benign". The valine amino acid residue is found in multiple mammalian species, which suggests that this missense change does not adversely affect protein function. In summary, the available evidence is currently insufficient to determine the role of this variant in disease. Therefore, it has been classified as a Variant of Uncertain Significance.